The following is an entry in ClinVar:

ClinVar aggregate classification (germline): Pathogenic/Likely pathogenic. Review status: criteria provided, multiple submitters, no conflicts (2 of 4 stars). 2 submissions from 2 submitters: Pathogenic (1); Likely pathogenic (1). Last evaluated 2024-08-08.

Conditions:
Hereditary cancer-predisposing syndrome. Also called: Neoplastic Syndromes, Hereditary; Hereditary Cancer Syndrome; Hereditary neoplastic syndrome; Tumor predisposition. Identifiers: Orphanet 140162, MedGen C0027672, MeSH D009386, MONDO:0015356.
Mitochondrial complex II deficiency, nuclear type 1. Also called: SUCCINATE CoQ REDUCTASE DEFICIENCY. Identifiers: Orphanet 3208, MedGen C5700310, MONDO:0100294, OMIM 252011.
Pheochromocytoma/paraganglioma syndrome 5. Also called: Paragangliomas 5; SDHA-Related Hereditary Paraganglioma-Pheochromocytoma Syndrome. Identifiers: Orphanet 29072, MedGen C3279992, MONDO:0013602, OMIM 614165.

Submissions (2):

Labcorp Genetics (formerly Invitae), Labcorp
Classification: Pathogenic for Pheochromocytoma/paraganglioma syndrome 5; Mitochondrial complex II deficiency, nuclear type 1. Last evaluated: 2024-08-08. Review status: criteria provided, single submitter. Criteria: Invitae Variant Classification Sherloc (09022015). Collection method: clinical testing. Allele origin: germline.
Comment: This sequence change creates a premature translational stop signal (p.Asn108Cysfs*53) in the SDHA gene. It is expected to result in an absent or disrupted protein product. Loss-of-function variants in SDHA are known to be pathogenic (PMID: 22974104, 24781757). This variant is not present in population databases (gnomAD no frequency). This variant has not been reported in the literature in individuals affected with SDHA-related conditions. ClinVar contains an entry for this variant (Variation ID: 1436702). For these reasons, this variant has been classified as Pathogenic.

Sema4
Classification: Likely pathogenic for Hereditary cancer-predisposing syndrome. Last evaluated: 2022-02-05. Review status: criteria provided, single submitter. Criteria: Sema4 Curation Guidelines. Collection method: curation. Allele origin: germline.
Comment: To the best of our knowledge, the SDHA c.322_323delAA (p.N108CfsX53) variant has not been reported in individuals with SDHA-related disease. This variant causes a frameshift at amino acid 108 that results in premature termination 53 amino acids downstream. At this location, nonsense-mediated decay is predicted to occur, resulting in a loss of gene function. Loss of function variants in SDHA are known to be pathogenic (PMID: 24781757). This variant is not reported in the population database Genome Aggregation Database (PMID: 32461654), and has not been reported in ClinVar. Based on the current evidence available, this variant is interpreted as likely pathogenic.

Literature cited by the submitters: PubMed 22974104 (cited by Labcorp Genetics (formerly Invitae), Labcorp); PubMed 24781757 (cited by Labcorp Genetics (formerly Invitae), Labcorp and Sema4).

NM_004168.4(SDHA):c.322_323del (p.Asn108fs)

Gene: SDHA (succinate dehydrogenase complex flavoprotein subunit A; plus strand). Cytogenetic location: 5p15.33.
Variant type: Deletion.
Coding change: c.322_323del on transcript NM_004168.4 (MANE Select); coding-DNA positions 322 to 323, 2 bases deleted (AA; older notation c.322_323delAA).
Protein change: p.Asn108fs; shifts the reading frame from asparagine 108.
Molecular consequence: frameshift variant. On other transcripts: intron variant (1).
Genome position (GRCh38, 1-based): chr5:225,428-225,429, AA deleted. VCF-style (leftmost placement, unchanged base first): chr5-225427-CAA-C. GRCh37 (hg19) VCF-style: chr5-225542-CAA-C.
Other names: c.313-455_313-454del (NM_001294332.2); c.322_323del, p.Asn108fs (NM_001330758.2); short protein forms N108fs.
Identifiers: ClinVar variation 1436702 (VCV001436702.7), dbSNP rs2126546657, ClinGen allele CA2573138534.